The following is an entry in ClinVar:

NM_006766.5(KAT6A):c.3995T>C (p.Leu1332Pro)

Gene: KAT6A (lysine acetyltransferase 6A; minus strand). Cytogenetic location: 8p11.21.
Variant type: single nucleotide variant.
Coding change: c.3995T>C on transcript NM_006766.5 (MANE Select); coding-DNA position 3995, T replaced by C.
Protein change: p.Leu1332Pro; replaces leucine 1332 with proline.
Molecular consequence: missense variant.
Genome position (GRCh38, 1-based): chr8:41,934,225, A>G on the plus strand (T>C on the coding strand, the complement: KAT6A is on the minus strand). VCF-style: chr8-41934225-A-G. GRCh37 (hg19) VCF-style: chr8-41791743-A-G.
Other names: short protein forms L1332P.
Identifiers: ClinVar variation 3680928 (VCV003680928.2).
Genomic context (GRCh38, chr8:41,934,225, plus strand): 5'-AAAAAAGACTCTTGAACACCAGGCTCCTCCTTGACATCTTCCCTCGTGGGCTGTTCCTCT[A>G]GCTCCTTTTTCTTTGTGGACTCCAGGTGGCCATCATCCTCATCATCAGCGTCGTGGTCGT-3'
Protein context (NP_006757.2, residues 1322-1342): GHLESTKKKE[Leu1332Pro]EEQPTREDVK

ClinVar aggregate classification (germline): Uncertain significance (1 of 4 stars; one submission).

Submission:

Labcorp Genetics (formerly Invitae), Labcorp
Classification: Uncertain significance. Last evaluated: 2024-10-21. Review status: criteria provided, single submitter. Criteria: Invitae Variant Classification Sherloc (09022015). Collection method: clinical testing. Allele origin: germline.
Comment: This sequence change replaces leucine, which is neutral and non-polar, with proline, which is neutral and non-polar, at codon 1332 of the KAT6A protein (p.Leu1332Pro). This variant is not present in population databases (gnomAD no frequency). This variant has not been reported in the literature in individuals affected with KAT6A-related conditions. Invitae Evidence Modeling of protein sequence and biophysical properties (such as structural, functional, and spatial information, amino acid conservation, physicochemical variation, residue mobility, and thermodynamic stability) indicates that this missense variant is not expected to disrupt KAT6A protein function with a negative predictive value of 95%. In summary, the available evidence is currently insufficient to determine the role of this variant in disease. Therefore, it has been classified as a Variant of Uncertain Significance.